The following is an entry in ClinVar:

ClinVar aggregate classification (germline): Uncertain significance (1 of 4 stars; one submission).

Submission:

Labcorp Genetics (formerly Invitae), Labcorp
Classification: Uncertain significance. Last evaluated: 2025-06-27. Review status: criteria provided, single submitter. Criteria: Invitae Variant Classification Sherloc (09022015). Collection method: clinical testing. Allele origin: germline.
Comment: This sequence change replaces valine, which is neutral and non-polar, with alanine, which is neutral and non-polar, at codon 585 of the COL9A2 protein (p.Val585Ala). This variant is not present in population databases (gnomAD no frequency). This variant has not been reported in the literature in individuals affected with COL9A2-related conditions. Invitae Evidence Modeling of protein sequence and biophysical properties (such as structural, functional, and spatial information, amino acid conservation, physicochemical variation, residue mobility, and thermodynamic stability) indicates that this missense variant is not expected to disrupt COL9A2 protein function with a negative predictive value of 95%. In summary, the available evidence is currently insufficient to determine the role of this variant in disease. Therefore, it has been classified as a Variant of Uncertain Significance.

NM_001852.4(COL9A2):c.1754T>C (p.Val585Ala)

Gene: COL9A2 (collagen type IX alpha 2 chain; minus strand). Cytogenetic location: 1p34.2.
Variant type: single nucleotide variant.
Coding change: c.1754T>C on transcript NM_001852.4 (MANE Select); coding-DNA position 1754, T replaced by C.
Protein change: p.Val585Ala; replaces valine 585 with alanine.
Molecular consequence: missense variant.
Genome position (GRCh38, 1-based): chr1:40,302,659, A>G on the plus strand (T>C on the coding strand, the complement: COL9A2 is on the minus strand). VCF-style: chr1-40302659-A-G. GRCh37 (hg19) VCF-style: chr1-40768331-A-G.
Other names: short protein forms V585A.
Identifiers: ClinVar variation 4799879 (VCV004799879.1).